The following is an entry in ClinVar:

NM_000059.4(BRCA2):c.7618-1G>C

Gene: BRCA2 (BRCA2 DNA repair associated; plus strand). Cytogenetic location: 13q13.1.
Variant type: single nucleotide variant.
Coding change: c.7618-1G>C on transcript NM_000059.4 (MANE Select); the canonical splice acceptor site of the intron before coding-DNA position 7618, G replaced by C.
Molecular consequence: splice acceptor variant.
Genome position (GRCh38, 1-based): chr13:32,357,741, G>C. VCF-style: chr13-32357741-G-C. GRCh37 (hg19) VCF-style: chr13-32931878-G-C.
Other names: c.7618-1G>C (NM_001406720.1); c.7522-1G>C (NM_001406719.1); c.2686-1G>C (NM_001406721.1); c.1201-1G>C (NM_001406722.1).
Identifiers: ClinVar variation 52368 (VCV000052368.4), dbSNP rs397507389, ClinGen allele CA025189.

ClinVar aggregate classification (germline): Likely pathogenic. Review status: criteria provided, single submitter (1 of 4 stars). 2 submissions from 2 submitters: Likely pathogenic (1). 1 of the submissions does not count toward it. Last evaluated 2024-09-10.

Conditions:
Hereditary breast ovarian cancer syndrome. Also called: Hereditary breast and ovarian cancer syndrome; Hereditary breast and ovarian cancer; Hereditary breast and ovarian cancer syndrome (HBOC); Breast and ovarian cancer; Hereditary breast and/or ovarian cancer syndrome; BRCA1- and BRCA2-Associated Hereditary Breast and Ovarian Cancer. Identifiers: Orphanet 145, MedGen C0677776, MeSH D061325, MONDO:0003582. Disease mechanism: loss of function.
Familial cancer of breast. Also called: BREAST CANCER, FAMILIAL; Hereditary breast cancer; hereditary breast carcinoma. Identifiers: Orphanet 227535, MedGen C0346153, MONDO:0016419, OMIM 114480. Disease mechanism: loss of function.

Submissions (2):

Breast Care Center, Daerim St. Mary`s Hospital
Classification: Likely pathogenic for Hereditary breast and ovarian cancer syndrome. Last evaluated: 2024-09-10. Review status: criteria provided, single submitter. Criteria: ACMG Guidelines, 2015. Collection method: clinical testing. Allele origin: germline. Inheritance: Autosomal dominant inheritance. Affected: yes. Observed: 1 heterozygote.
Comment: This is a null variant affecting an intronic acceptor site in the BRCA2 gene, where loss of function is a known mechanism of disease. It is not found in the gnomAD genomes or exomes database. Based on the available evidence, this variant is classified as likely pathogenic.

ClinVar Staff, National Center for Biotechnology Information (NCBI)
No classification provided. Condition: Familial cancer of breast. Review status: no classification provided. Collection method: literature only. Allele origin: germline. Affected: yes. Not counted in ClinVar's aggregate classification.

Literature cited by the submitters: PubMed 17924331 (cited by ClinVar Staff, National Center for Biotechnology Information (NCBI)).